The following is an entry in ClinVar:

ClinVar aggregate classification (germline): Uncertain significance (1 of 4 stars; one submission).

Submission:

GeneDx
Classification: Uncertain significance. Last evaluated: 2024-08-07. Review status: criteria provided, single submitter. Criteria: GeneDx Variant Classification Process June 2021. Collection method: clinical testing. Allele origin: germline. Affected: yes.
Comment: Has not been previously published as pathogenic or benign to our knowledge; Canonical splice site variant in a gene for which loss-of-function is not a known mechanism of disease

NM_006757.4(TNNT3):c.288+2T>C

Gene: TNNT3 (troponin T3, fast skeletal type; plus strand). Cytogenetic location: 11p15.5.
Variant type: single nucleotide variant.
Coding change: c.288+2T>C on transcript NM_006757.4 (MANE Select); the canonical splice donor site of the intron after coding-DNA position 288, T replaced by C.
Molecular consequence: splice donor variant.
Genome position (GRCh38, 1-based): chr11:1,933,839, T>C. VCF-style: chr11-1933839-T-C. GRCh37 (hg19) VCF-style: chr11-1955069-T-C.
Other names: c.264+2T>C (NM_001297646.2, NM_001042780.3, NM_001042782.3 and 2 more transcripts); c.321+2T>C (NM_001367846.1); c.297+2T>C (NM_001363561.2, NM_001367847.1); c.282+2T>C (NM_001042781.3, NM_001367843.1, NM_001367842.1); c.285+2T>C (NM_001367848.1); c.231+2T>C (NM_001367850.1); c.84+2T>C (NM_001367851.1, NM_001367852.1); c.276+2T>C (NM_001367849.1).
Identifiers: ClinVar variation 3603084 (VCV003603084.1).